The following is an entry in ClinVar:

ClinVar aggregate classification (germline): Conflicting classifications of pathogenicity. Review status: criteria provided, conflicting classifications (1 of 4 stars). 2 submissions from 2 submitters: Likely pathogenic (1); Uncertain significance (1). Last evaluated 2024-10-14.

Conditions:
Polycystic kidney disease 4 (PKD4). Also called: POLYCYSTIC KIDNEY AND HEPATIC DISEASE 1; POLYCYSTIC KIDNEY DISEASE, INFANTILE, TYPE I; PKD3; POLYCYSTIC KIDNEY DISEASE 4 WITH OR WITHOUT POLYCYSTIC LIVER DISEASE; Autosomal Recessive Polycystic Kidney Disease – PKHD1. Identifiers: MedGen C4540575, MONDO:0033004, OMIM 263200.

Allele frequency attached by ClinVar (database versions not stated): gnomAD exomes below 0.00001; gnomAD 0.00001.
gnomAD v4.1: 5 of 1,573,260 alleles (0.00032%); highest among the groups gnomAD compares: Admixed American, 0.0017%; no homozygotes.

Submissions (2):

Women's Health and Genetics/Laboratory Corporation of America, LabCorp
Classification: Uncertain significance. Last evaluated: 2024-10-14. Review status: criteria provided, single submitter. Criteria: LabCorp Variant Classification Summary - May 2015. Collection method: clinical testing. Allele origin: germline.
Comment: Variant summary: PKHD1 c.602+5G>A alters a conserved nucleotide located close to a canonical splice site and therefore could affect mRNA splicing, leading to a significantly altered protein sequence. Several computational tools predict a significant impact on normal splicing: Two predict the variant abolishes a 5' splicing donor site. Two predict the variant weakens a 5' donor site. However, these predictions have yet to be confirmed by functional studies. The variant allele was found at a frequency of 3.2e-06 in 1573260 control chromosomes. The available data on variant occurrences in the general population are insufficient to allow any conclusion about variant significance. c.602+5G>A has been reported in the literature in at least one compound heterozygous individual affected with Polycystic Kidney And Hepatic Disease (Fang_2017). These data do not allow any conclusion about variant significance. To our knowledge, no experimental evidence demonstrating an impact on protein function has been reported. The following publication has been ascertained in the context of this evaluation (PMID: 28578020). ClinVar contains an entry for this variant (Variation ID: 2677783). Based on the evidence outlined above, the variant was classified as uncertain significance.

Baylor Genetics
Classification: Likely pathogenic for Polycystic kidney disease 4. Last evaluated: 2023-09-12. Review status: criteria provided, single submitter. Criteria: ACMG Guidelines, 2015. Collection method: clinical testing. Allele origin: unknown.

Literature cited by the submitters: PubMed 28578020 (cited by Women's Health and Genetics/Laboratory Corporation of America, LabCorp).

NM_138694.4(PKHD1):c.602+5G>A

Gene: PKHD1 (PKHD1 ciliary IPT domain containing fibrocystin/polyductin; minus strand). Cytogenetic location: 6p12.2.
Variant type: single nucleotide variant.
Coding change: c.602+5G>A on transcript NM_138694.4 (MANE Select); 5 bases into the intron after coding-DNA position 602, G replaced by A.
Molecular consequence: intron variant.
Genome position (GRCh38, 1-based): chr6:52,072,110, C>T on the plus strand (G>A on the coding strand, the complement: PKHD1 is on the minus strand). VCF-style: chr6-52072110-C-T. GRCh37 (hg19) VCF-style: chr6-51936908-C-T.
Other names: c.602+5G>A (NM_170724.3).
Identifiers: ClinVar variation 2677783 (VCV002677783.2), dbSNP rs1810702908, ClinGen allele CA1088997977.